The following is an entry in ClinVar:

NM_001927.4(DES):c.1151A>G (p.His384Arg)

Gene: DES (desmin; plus strand). Cytogenetic location: 2q35.
Variant type: single nucleotide variant.
Coding change: c.1151A>G on transcript NM_001927.4 (MANE Select); coding-DNA position 1151, A replaced by G.
Protein change: p.His384Arg; replaces histidine 384 with arginine.
Molecular consequence: missense variant.
Genome position (GRCh38, 1-based): chr2:219,421,467, A>G. VCF-style: chr2-219421467-A-G. GRCh37 (hg19) VCF-style: chr2-220286189-A-G.
Other names: c.1151A>G (LRG_380t1); short protein forms H384R.
Identifiers: ClinVar variation 522692 (VCV000522692.11), dbSNP rs1553603566, ClinGen allele CA350694607.

ClinVar aggregate classification (germline): Likely pathogenic. Review status: criteria provided, multiple submitters, no conflicts (2 of 4 stars). 3 submissions from 3 submitters: Likely pathogenic (3). Last evaluated 2024-05-03.

Conditions:
Desmin-related myofibrillar myopathy (MFM1). Also called: Desminopathy; Desmin related myopathy (former name); Desmin storage myopathy (former name); MYOFIBRILLAR MYOPATHY WITH ARRHYTHMOGENIC RIGHT VENTRICULAR CARDIOMYOPATHY; DESMIN-RELATED MYOPATHY WITH ARRHYTHMOGENIC RIGHT VENTRICULAR CARDIOMYOPATHY; Myofibrillar myopathy 1. Identifiers: Orphanet 363543, Orphanet 98909, MedGen C1832370, MONDO:0011076, OMIM 601419.
Dilated cardiomyopathy 1I (CMD1I). Identifiers: Orphanet 154, MedGen C1858154, MONDO:0011482, OMIM 604765.
Neurogenic scapuloperoneal syndrome, Kaeser type (SCPNK). Also called: KAESER SYNDROME. Identifiers: Orphanet 85146, MedGen C1867005, MONDO:0008407, OMIM 181400.

Submissions (3):

Institute of Human Genetics Munich, TUM University Hospital
Classification: Likely pathogenic for Dilated cardiomyopathy 1I. Last evaluated: 2024-05-03. Review status: criteria provided, single submitter. Criteria: Classification criteria August 2017. Collection method: clinical testing. Allele origin: paternal. Inheritance: Autosomal dominant inheritance. Affected: yes. Observed: 1 variant allele.

Institute of Human Genetics, Heidelberg University
Classification: Likely pathogenic for Dilated cardiomyopathy 1I; Desmin-related myofibrillar myopathy; Neurogenic scapuloperoneal syndrome, Kaeser type. Last evaluated: 2023-07-17. Review status: criteria provided, single submitter. Criteria: ACMG Guidelines, 2015. Collection method: clinical testing. Allele origin: germline. Observed: 2 variant alleles.
Comment: secondary finding

Genomic Research Center, Shahid Beheshti University of Medical Sciences
Classification: Likely pathogenic for Desmin-related myofibrillar myopathy. Last evaluated: 2017-12-03. Review status: criteria provided, single submitter. Criteria: ACMG Guidelines, 2015. Collection method: clinical testing. Allele origin: inherited. Affected: yes.